The following is an entry in ClinVar:

ClinVar aggregate classification (germline): Uncertain significance (1 of 4 stars; one submission).

Conditions:
Autosomal dominant nonsyndromic hearing loss 23. Identifiers: Orphanet 90635, MedGen C1854594, MONDO:0011519, OMIM 605192.

gnomAD v4.1: 1 of 1,613,622 alleles (0.000062%); highest among the groups gnomAD compares: South Asian, 0.0011%; no homozygotes.

Submission:

Laboratory of Prof. Karen Avraham, Tel Aviv University
Classification: Uncertain significance for Autosomal dominant nonsyndromic hearing loss 23. Last evaluated: 2024-12-26. Review status: criteria provided, single submitter. Criteria: ACMG Guidelines, 2015. Collection method: research. Allele origin: germline. Affected: yes. Observed: 1 variant allele.
Comment: The SIX1 c.115G>A:p.(Ala39Thr) heterozygous variant is extremely rare and predicted deleterious.

NM_005982.4(SIX1):c.115G>A (p.Ala39Thr)

Gene: SIX1 (SIX homeobox 1; minus strand). Cytogenetic location: 14q23.1.
Variant type: single nucleotide variant.
Coding change: c.115G>A on transcript NM_005982.4 (MANE Select); coding-DNA position 115, G replaced by A.
Protein change: p.Ala39Thr; replaces alanine 39 with threonine.
Molecular consequence: missense variant.
Genome position (GRCh38, 1-based): chr14:60,649,075, C>T on the plus strand (G>A on the coding strand, the complement: SIX1 is on the minus strand). VCF-style: chr14-60649075-C-T. GRCh37 (hg19) VCF-style: chr14-61115793-C-T.
Other names: DFNA23; c.115G>A, p.Ala39Thr (NM_001425142.1); short protein forms A39T.
Identifiers: ClinVar variation 3393403 (VCV003393403.1).